The following is an entry in ClinVar:

ClinVar aggregate classification (germline): Uncertain significance (1 of 4 stars; one submission).

gnomAD v4.1: 4 of 1,613,890 alleles (0.00025%); highest among the groups gnomAD compares: Middle Eastern, 0.033%; no homozygotes.

Submission:

Labcorp Genetics (formerly Invitae), Labcorp
Classification: Uncertain significance. Last evaluated: 2024-10-27. Review status: criteria provided, single submitter. Criteria: Invitae Variant Classification Sherloc (09022015). Collection method: clinical testing. Allele origin: germline.
Comment: This sequence change replaces glutamic acid, which is acidic and polar, with aspartic acid, which is acidic and polar, at codon 105 of the ROR2 protein (p.Glu105Asp). This variant is not present in population databases (gnomAD no frequency). This variant has not been reported in the literature in individuals affected with ROR2-related conditions. Invitae Evidence Modeling of protein sequence and biophysical properties (such as structural, functional, and spatial information, amino acid conservation, physicochemical variation, residue mobility, and thermodynamic stability) indicates that this missense variant is not expected to disrupt ROR2 protein function with a negative predictive value of 95%. In summary, the available evidence is currently insufficient to determine the role of this variant in disease. Therefore, it has been classified as a Variant of Uncertain Significance.

NM_004560.4(ROR2):c.315G>T (p.Glu105Asp)

Gene: ROR2 (receptor tyrosine kinase like orphan receptor 2; minus strand). Cytogenetic location: 9q22.31.
Variant type: single nucleotide variant.
Coding change: c.315G>T on transcript NM_004560.4 (MANE Select); coding-DNA position 315, G replaced by T.
Protein change: p.Glu105Asp; replaces glutamic acid 105 with aspartic acid.
Molecular consequence: missense variant.
Genome position (GRCh38, 1-based): chr9:91,757,420, C>A on the plus strand (G>T on the coding strand, the complement: ROR2 is on the minus strand). VCF-style: chr9-91757420-C-A. GRCh37 (hg19) VCF-style: chr9-94519702-C-A.
Other names: c.315G>T, p.Glu105Asp (NM_001318204.2); short protein forms E105D.
Identifiers: ClinVar variation 3677722 (VCV003677722.2).
Genomic context (GRCh38, chr9:91,757,420, plus strand): 5'-CAGGTCCTGGATTCGCAGTCGTGAACCATATTCTGTCTTCCGGATGATGATCCGCCGCGG[C>A]TCCTGCACCACCGGGGCATCATTCTTTAGCCACCGCACGTTAGGGGGTGGGTTTCCTGCC-3'
Protein context (NP_004551.2, residues 95-115): WLKNDAPVVQ[Glu105Asp]PRRIIIRKTE